The following is an entry in ClinVar:

ClinVar aggregate classification (germline): Uncertain significance (1 of 4 stars; one submission).

Conditions:
ARID1B-Related Disorder. Identifiers: MedGen CN381337.

gnomAD v4.1: 2 of 1,614,142 alleles (0.00012%); highest among the groups gnomAD compares: South Asian, 0.0022%; no homozygotes.

Submission:

PreventionGenetics, part of Exact Sciences
Classification: Uncertain significance for ARID1B-related condition. Last evaluated: 2025-10-28. Review status: criteria provided, single submitter. Criteria: ACMG Guidelines, 2015. Collection method: clinical testing. Allele origin: germline.
Comment: The ARID1B c.6353A>G variant is predicted to result in the amino acid substitution p.Tyr2118Cys. To our knowledge, this variant has not been reported in the literature or in a large population database (gnomAD), indicating this variant is rare. At this time, the clinical significance of this variant is uncertain due to the absence of conclusive functional and genetic evidence.

NM_001374828.1(ARID1B):c.6722A>G (p.Tyr2241Cys)

Gene: ARID1B (AT-rich interaction domain 1B; plus strand). Cytogenetic location: 6q25.3.
Variant type: single nucleotide variant.
Coding change: c.6722A>G on transcript NM_001374828.1 (MANE Select); coding-DNA position 6722, A replaced by G.
Protein change: p.Tyr2241Cys; replaces tyrosine 2241 with cysteine.
Molecular consequence: missense variant.
Genome position (GRCh38, 1-based): chr6:157,207,494, A>G. VCF-style: chr6-157207494-A-G. GRCh37 (hg19) VCF-style: chr6-157528628-A-G.
Other names: c.4223A>G, p.Tyr1408Cys (NM_001363725.2); c.6602A>G, p.Tyr2201Cys (NM_001371656.1, NM_001374820.1); c.6851A>G, p.Tyr2284Cys (NM_001438482.1); c.6764A>G, p.Tyr2255Cys (NM_001438483.1); c.6632A>G, p.Tyr2211Cys (NM_001438485.1); c.6605A>G, p.Tyr2202Cys (NM_001438486.1); c.6542A>G, p.Tyr2181Cys (NM_001438487.1); c.4064A>G, p.Tyr1355Cys (NM_001438488.1); and 2 more; short protein forms Y1408C, Y2241C, Y1355C, Y2188C, Y2181C, Y2201C, Y2211C, Y2284C.
Identifiers: ClinVar variation 4990997 (VCV004990997.1).
Genomic context (GRCh38, chr6:157,207,494, plus strand): 5'-TGATCTTGGCCACTCCTCCATTTAGTCGTCAGGAGAAATTCTATGCTACATTAGTTAGGT[A>G]CGTTGGGGATCGCAAAAACCCAGTCTGTCGAGAAATGTCCATGGCGCTTTTATCGAACCT-3'
Protein context (NP_001361757.1, residues 2231-2251): QEKFYATLVR[Tyr2241Cys]VGDRKNPVCR